The following is an entry in ClinVar:

NM_000395.3(CSF2RB):c.714G>C (p.Gln238His)

Gene: CSF2RB (colony stimulating factor 2 receptor subunit beta; plus strand). Cytogenetic location: 22q12.3.
Variant type: single nucleotide variant.
Coding change: c.714G>C on transcript NM_000395.3 (MANE Select); coding-DNA position 714, G replaced by C.
Protein change: p.Gln238His; replaces glutamine 238 with histidine.
Molecular consequence: missense variant.
Genome position (GRCh38, 1-based): chr22:36,929,803, G>C. VCF-style: chr22-36929803-G-C. GRCh37 (hg19) VCF-style: chr22-37325845-G-C.
Other names: c.714G>C, p.Gln238His (NM_001410827.1); short protein forms Q238H.
Identifiers: ClinVar variation 1715050 (VCV001715050.5), dbSNP rs2517990941, ClinGen allele CA411406712.

ClinVar aggregate classification (germline): Uncertain significance (1 of 4 stars; one submission).

Submission:

Labcorp Genetics (formerly Invitae), Labcorp
Classification: Uncertain significance. Last evaluated: 2022-08-04. Review status: criteria provided, single submitter. Criteria: Invitae Variant Classification Sherloc (09022015). Collection method: clinical testing. Allele origin: germline.
Comment: In summary, the available evidence is currently insufficient to determine the role of this variant in disease. Therefore, it has been classified as a Variant of Uncertain Significance. Algorithms developed to predict the effect of missense changes on protein structure and function are either unavailable or do not agree on the potential impact of this missense change (SIFT: "Tolerated"; PolyPhen-2: "Possibly Damaging"; Align-GVGD: "Class C0"). This variant has not been reported in the literature in individuals affected with CSF2RB-related conditions. This variant is not present in population databases (gnomAD no frequency). This sequence change replaces glutamine, which is neutral and polar, with histidine, which is basic and polar, at codon 238 of the CSF2RB protein (p.Gln238His).